The following is an entry in ClinVar:

ClinVar aggregate classification (germline): Uncertain significance (1 of 4 stars; one submission).

Conditions:
Cardiovascular phenotype. Identifiers: MedGen CN230736.

Submission:

Ambry Genetics
Classification: Uncertain significance for Cardiovascular phenotype. Last evaluated: 2026-03-01. Review status: criteria provided, single submitter. Criteria: Ambry Variant Classification Scheme 2023. Collection method: clinical testing. Allele origin: germline.
Comment: The p.W1458R variant (also known as c.4372T>A), located in coding exon 29 of the MYH6 gene, results from a T to A substitution at nucleotide position 4372. The tryptophan at codon 1458 is replaced by arginine, an amino acid with dissimilar properties. This amino acid position is conserved. In addition, the in silico prediction for this alteration is inconclusive. Based on the available evidence, the clinical significance of this variant remains unclear.

NM_002471.4(MYH6):c.4372T>A (p.Trp1458Arg)

Gene: MYH6 (myosin heavy chain 6; minus strand). Cytogenetic location: 14q11.2.
Variant type: single nucleotide variant.
Coding change: c.4372T>A on transcript NM_002471.4 (MANE Select); coding-DNA position 4372, T replaced by A.
Protein change: p.Trp1458Arg; replaces tryptophan 1458 with arginine.
Molecular consequence: missense variant.
Genome position (GRCh38, 1-based): chr14:23,387,911, A>T on the plus strand (T>A on the coding strand, the complement: MYH6 is on the minus strand). VCF-style: chr14-23387911-A-T. GRCh37 (hg19) VCF-style: chr14-23857120-A-T.
Other names: short protein forms W1458R.
Identifiers: ClinVar variation 4827345 (VCV004827345.1).